The following is an entry in ClinVar:

NM_001304438.2(TMEM132E):c.238G>A (p.Val80Met)

Gene: TMEM132E (transmembrane protein 132E; plus strand). Cytogenetic location: 17q12.
Variant type: single nucleotide variant.
Coding change: c.238G>A on transcript NM_001304438.2 (MANE Select); coding-DNA position 238, G replaced by A.
Protein change: p.Val80Met; replaces valine 80 with methionine.
Molecular consequence: missense variant.
Genome position (GRCh38, 1-based): chr17:34,626,297, G>A. VCF-style: chr17-34626297-G-A. GRCh37 (hg19) VCF-style: chr17-32953316-G-A.
Other names: NM_207313.1:c.238G>A; short protein forms V80M.
Identifiers: ClinVar variation 2889353 (VCV002889353.4), dbSNP rs200982924, ClinGen allele CA8496400.

ClinVar aggregate classification (germline): Uncertain significance. Review status: criteria provided, multiple submitters, no conflicts (2 of 4 stars). 2 submissions from 2 submitters: Uncertain significance (2). Last evaluated 2023-12-20.

Allele frequency attached by ClinVar (database versions not stated): ExAC 0.00011; TOPMed 0.00013; ESP Exome Variant Server 0.00015; gnomAD 0.00016; 1000 Genomes Project 0.00040; 1000 Genomes Project 30x 0.00062.

Submissions (2):

Ambry Genetics
Classification: Uncertain significance. Last evaluated: 2023-12-20. Review status: criteria provided, single submitter. Criteria: Ambry Variant Classification Scheme 2023. Collection method: clinical testing. Allele origin: germline.

Labcorp Genetics (formerly Invitae), Labcorp
Classification: Uncertain significance. Last evaluated: 2023-02-16. Review status: criteria provided, single submitter. Criteria: Invitae Variant Classification Sherloc (09022015). Collection method: clinical testing. Allele origin: germline.
Comment: In summary, the available evidence is currently insufficient to determine the role of this variant in disease. Therefore, it has been classified as a Variant of Uncertain Significance. Experimental studies and prediction algorithms are not available or were not evaluated, and the functional significance of this variant is currently unknown. This variant has not been reported in the literature in individuals affected with TMEM132E-related conditions. This variant is present in population databases (rs200982924, gnomAD 0.02%). This sequence change replaces valine, which is neutral and non-polar, with methionine, which is neutral and non-polar, at codon 80 of the TMEM132E protein (p.Val80Met).